The following is an entry in ClinVar:

ClinVar aggregate classification (germline): Conflicting classifications of pathogenicity. Review status: criteria provided, conflicting classifications (1 of 4 stars). 7 submissions from 7 submitters: Uncertain significance (5); Likely benign (1). 1 of the submissions does not count toward it. Last evaluated 2026-01-26.

Conditions:
ATM-related cancer predisposition. Also called: ATM-related cancer susceptibility. Identifiers: MedGen CN377759, MONDO:0700270.
Hereditary cancer-predisposing syndrome. Also called: Hereditary Cancer Syndrome; Neoplastic Syndromes, Hereditary; Tumor predisposition; Hereditary neoplastic syndrome. Identifiers: Orphanet 140162, MedGen C0027672, MeSH D009386, MONDO:0015356.
Familial cancer of breast. Also called: BREAST CANCER, FAMILIAL; hereditary breast carcinoma; Hereditary breast cancer. Identifiers: Orphanet 227535, MedGen C0346153, MONDO:0016419, OMIM 114480. Disease mechanism: loss of function.
Ataxia-telangiectasia syndrome (AT). Also called: ATAXIA-TELANGIECTASIA, COMPLEMENTATION GROUP A; ATAXIA-TELANGIECTASIA, FRESNO VARIANT; Ataxia-telangiectasia; LOUIS-BAR SYNDROME; Ataxia telangiectasia (A-T); Ataxia-telangiectasia, complementation group D. Identifiers: Orphanet 100, MedGen C0004135, MONDO:0008840, OMIM 208900.

Allele frequency attached by ClinVar (database versions not stated): gnomAD exomes 0.00001; gnomAD 0.00001.
gnomAD v4.1: 10 of 1,611,926 alleles (0.00062%); highest among the groups gnomAD compares: Non-Finnish European, 0.00085%; no homozygotes.

Submissions (7):

Labcorp Genetics (formerly Invitae), Labcorp
Classification: Uncertain significance for Ataxia-telangiectasia syndrome. Last evaluated: 2026-01-26. Review status: criteria provided, single submitter. Criteria: Invitae Variant Classification Sherloc (09022015). Collection method: clinical testing. Allele origin: germline.
Comment: This sequence change replaces lysine, which is basic and polar, with glutamic acid, which is acidic and polar, at codon 793 of the ATM protein (p.Lys793Glu). This variant is present in population databases (rs587781583, gnomAD 0.002%). This variant has not been reported in the literature in individuals affected with ATM-related conditions. ClinVar contains an entry for this variant (Variation ID: 141217). An algorithm developed to predict the effect of missense changes on protein structure and function (PolyPhen-2) suggests that this variant is likely to be tolerated. RNA analysis performed to evaluate the impact of this missense change on mRNA splicing indicates it does not significantly alter splicing (internal data). In summary, the available evidence is currently insufficient to determine the role of this variant in disease. Therefore, it has been classified as a Variant of Uncertain Significance.

Ambry Genetics
Classification: Likely benign for Hereditary cancer-predisposing syndrome. Last evaluated: 2024-09-14. Review status: criteria provided, single submitter. Criteria: Ambry Variant Classification Scheme 2023. Collection method: clinical testing. Allele origin: germline.

Color Diagnostics, LLC DBA Color Health
Classification: Uncertain significance for Hereditary cancer-predisposing syndrome. Last evaluated: 2023-10-10. Review status: criteria provided, single submitter. Criteria: ACMG Guidelines, 2015. Collection method: clinical testing. Allele origin: germline.
Comment: This missense variant replaces lysine with glutamic acid at codon 793 of the ATM protein. Computational prediction suggests that this variant may not impact protein structure and function (internally defined REVEL score threshold <= 0.5, PMID: 27666373). To our knowledge, functional studies have not been reported for this variant. In a large international case-control study, this variant was reported in 2/60464 breast cancer cases and 0/53461 controls (OR=3.537 (95%CI 0.159 to 78.433); p-value=0.502; PMID: 33471991). This variant has been identified in 2/251160 chromosomes in the general population by the Genome Aggregation Database (gnomAD). The available evidence is insufficient to determine the role of this variant in disease conclusively. Therefore, this variant is classified as a Variant of Uncertain Significance.

Baylor Genetics
Classification: Uncertain significance for Familial cancer of breast. Last evaluated: 2023-09-06. Review status: criteria provided, single submitter. Criteria: ACMG Guidelines, 2015. Collection method: clinical testing. Allele origin: unknown.

Women's Health and Genetics/Laboratory Corporation of America, LabCorp
Classification: Uncertain significance. Last evaluated: 2023-07-10. Review status: criteria provided, single submitter. Criteria: LabCorp Variant Classification Summary - May 2015. Collection method: clinical testing. Allele origin: germline.

Department of Pathology and Laboratory Medicine, Sinai Health System
Classification: Uncertain significance for ATM-related cancer predisposition. Last evaluated: 2020-10-29. Review status: criteria provided, single submitter. Criteria: ACMG Guidelines, 2015. Collection method: clinical testing. Allele origin: germline. Affected: yes.

Natera, Inc.
Classification: Uncertain significance for Ataxia-telangiectasia. Last evaluated: 2020-09-16. Review status: no assertion criteria provided. Collection method: clinical testing. Allele origin: germline. Not counted in ClinVar's aggregate classification.

Literature cited by the submitters: PubMed 33471991 (cited by Ambry Genetics).

NM_000051.4(ATM):c.2377A>G (p.Lys793Glu)

Gene: ATM (ATM serine/threonine kinase; plus strand). Cytogenetic location: 11q22.3.
Variant type: single nucleotide variant.
Coding change: c.2377A>G on transcript NM_000051.4 (MANE Select); coding-DNA position 2377, A replaced by G.
Protein change: p.Lys793Glu; replaces lysine 793 with glutamic acid.
Molecular consequence: missense variant.
Genome position (GRCh38, 1-based): chr11:108,258,986, A>G. VCF-style: chr11-108258986-A-G. GRCh37 (hg19) VCF-style: chr11-108129713-A-G.
Other names: c.2377A>G, p.Lys793Glu (NM_001351834.2); short protein forms K793E.
Identifiers: ClinVar variation 141217 (VCV000141217.23), dbSNP rs587781583, ClinGen allele CA164793.